The following is an entry in ClinVar:

ClinVar aggregate classification (germline): Uncertain significance. Review status: criteria provided, multiple submitters, no conflicts (2 of 4 stars). 2 submissions from 2 submitters: Uncertain significance (2). Last evaluated 2025-10-07.

Conditions:
Inborn genetic diseases. Identifiers: MedGen C0950123, MeSH D030342.
COG5-congenital disorder of glycosylation. Also called: CDG IIi; COG5-CDG; CONGENITAL DISORDER OF GLYCOSYLATION, TYPE IIi. Identifiers: Orphanet 263487, MedGen C3150876, MONDO:0013325, OMIM 613612.

Allele frequency attached by ClinVar (database versions not stated): gnomAD 0.00001; gnomAD exomes 0.00001 and 0.00002; TOPMed 0.00001; ExAC 0.00003; 1000 Genomes Project 30x 0.00016; 1000 Genomes Project 0.00020.
gnomAD v4.1: 24 of 1,614,032 alleles (0.0015%); highest among the groups gnomAD compares: South Asian, 0.023%; no homozygotes.

Submissions (2):

Ambry Genetics
Classification: Uncertain significance for Inborn genetic diseases. Last evaluated: 2025-10-07. Review status: criteria provided, single submitter. Criteria: Ambry Variant Classification Scheme 2023. Collection method: clinical testing. Allele origin: germline.

Labcorp Genetics (formerly Invitae), Labcorp
Classification: Uncertain significance for COG5-congenital disorder of glycosylation. Last evaluated: 2024-11-05. Review status: criteria provided, single submitter. Criteria: Invitae Variant Classification Sherloc (09022015). Collection method: clinical testing. Allele origin: germline.
Comment: This sequence change replaces valine, which is neutral and non-polar, with isoleucine, which is neutral and non-polar, at codon 659 of the COG5 protein (p.Val659Ile). This variant is present in population databases (rs541139830, gnomAD 0.02%). This variant has not been reported in the literature in individuals affected with COG5-related conditions. ClinVar contains an entry for this variant (Variation ID: 1063598). Invitae Evidence Modeling of protein sequence and biophysical properties (such as structural, functional, and spatial information, amino acid conservation, physicochemical variation, residue mobility, and thermodynamic stability) indicates that this missense variant is not expected to disrupt COG5 protein function with a negative predictive value of 80%. In summary, the available evidence is currently insufficient to determine the role of this variant in disease. Therefore, it has been classified as a Variant of Uncertain Significance.

NM_006348.5(COG5):c.1882G>A (p.Val628Ile)

Gene: COG5 (component of oligomeric golgi complex 5; minus strand). Cytogenetic location: 7q22.3.
Variant type: single nucleotide variant.
Coding change: c.1882G>A on transcript NM_006348.5 (MANE Select); coding-DNA position 1882, G replaced by A.
Protein change: p.Val628Ile; replaces valine 628 with isoleucine.
Molecular consequence: missense variant. On other transcripts: intron variant (1).
Genome position (GRCh38, 1-based): chr7:107,236,659, C>T on the plus strand (G>A on the coding strand, the complement: COG5 is on the minus strand). VCF-style: chr7-107236659-C-T. GRCh37 (hg19) VCF-style: chr7-106877104-C-T.
Other names: c.1882G>A, p.Val628Ile (NM_001161520.2, NM_001379513.1); c.1720G>A, p.Val574Ile (NM_001379511.1); c.1708G>A, p.Val570Ile (NM_001379512.1); c.1312G>A, p.Val438Ile (NM_001379515.1); c.1168G>A, p.Val390Ile (NM_001379516.1); c.1819G>A, p.Val607Ile (NM_181733.4); c.1853+11737G>A (NM_001379514.1); c.1975G>A (NM_006348.3); short protein forms V390I, V438I, V570I, V574I, V607I, V628I.
Identifiers: ClinVar variation 1063598 (VCV001063598.8), dbSNP rs541139830, ClinGen allele CA4430744.